The following is an entry in ClinVar:

ClinVar aggregate classification (germline): Uncertain significance (1 of 4 stars; one submission).

Conditions:
CEP164-related disorder. Also called: CEP164-related condition.

Submission:

PreventionGenetics, part of Exact Sciences
Classification: Uncertain significance for CEP164-related condition. Last evaluated: 2026-08-05. Review status: criteria provided, single submitter. Criteria: ACMG Guidelines, 2015. Collection method: clinical testing. Allele origin: germline.
Comment: The CEP164 c.731A>T variant is predicted to result in the amino acid substitution p.Asp244Val. To our knowledge, this variant has not been reported in the literature or in a large population database (gnomAD), indicating this variant is rare. At this time, the clinical significance of this variant is uncertain due to the absence of conclusive functional and genetic evidence.

NM_014956.5(CEP164):c.731A>T (p.Asp244Val)

Gene: CEP164 (centrosomal protein 164; plus strand). Cytogenetic location: 11q23.3.
Variant type: single nucleotide variant.
Coding change: c.731A>T on transcript NM_014956.5 (MANE Select); coding-DNA position 731, A replaced by T.
Protein change: p.Asp244Val; replaces aspartic acid 244 with valine.
Molecular consequence: missense variant. On other transcripts: intron variant (20).
Genome position (GRCh38, 1-based): chr11:117,363,472, A>T. VCF-style: chr11-117363472-A-T. GRCh37 (hg19) VCF-style: chr11-117234188-A-T.
Other names: c.731A>T, p.Asp244Val (NM_001271933.2, NM_001440949.1, NM_001440950.1 and 16 more transcripts); c.593A>T, p.Asp198Val (NM_001440960.1); c.687+934A>T (NM_001440972.1, NM_001440952.1, NM_001440987.1 and 17 more transcripts); short protein forms D198V, D244V.
Identifiers: ClinVar variation 4992121 (VCV004992121.1).